The following is an entry in ClinVar:

ClinVar aggregate classification (germline): Uncertain significance (1 of 4 stars; one submission).

Conditions:
Aortic aneurysm, familial thoracic 6 (AAT6). Also called: FAMILIAL THORACIC AORTIC ANEURYSM WITH LIVEDO RETICULARIS AND IRIS FLOCCULI. Identifiers: MedGen C2673186, MONDO:0012730, OMIM 611788.

Submission:

Labcorp Genetics (formerly Invitae), Labcorp
Classification: Uncertain significance for Aortic aneurysm, familial thoracic 6. Last evaluated: 2025-08-06. Review status: criteria provided, single submitter. Criteria: Invitae Variant Classification Sherloc (09022015). Collection method: clinical testing. Allele origin: germline.
Comment: This sequence change replaces asparagine, which is neutral and polar, with aspartic acid, which is acidic and polar, at codon 113 of the ACTA2 protein (p.Asn113Asp). This variant is not present in population databases (gnomAD no frequency). This missense change has been observed in individual(s) with clinical features of hereditary thoracic aortic aneurysms and dissections (TAAD) (internal data). ClinVar contains an entry for this variant (Variation ID: 2129902). Invitae Evidence Modeling of protein sequence and biophysical properties (such as structural, functional, and spatial information, amino acid conservation, physicochemical variation, residue mobility, and thermodynamic stability) indicates that this missense variant is expected to disrupt ACTA2 protein function with a positive predictive value of 80%. In summary, the available evidence is currently insufficient to determine the role of this variant in disease. Therefore, it has been classified as a Variant of Uncertain Significance.

NM_001613.4(ACTA2):c.337A>G (p.Asn113Asp)

Gene: ACTA2 (actin alpha 2, smooth muscle; minus strand). Cytogenetic location: 10q23.31.
Variant type: single nucleotide variant.
Coding change: c.337A>G on transcript NM_001613.4 (MANE Select); coding-DNA position 337, A replaced by G.
Protein change: p.Asn113Asp; replaces asparagine 113 with aspartic acid.
Molecular consequence: missense variant.
Genome position (GRCh38, 1-based): chr10:88,943,829, T>C on the plus strand (A>G on the coding strand, the complement: ACTA2 is on the minus strand). VCF-style: chr10-88943829-T-C. GRCh37 (hg19) VCF-style: chr10-90703586-T-C.
Other names: c.337A>G, p.Asn113Asp (NM_001141945.3, NM_001320855.2, NM_001406462.1 and 3 more transcripts); c.208A>G, p.Asn70Asp (NM_001406467.1, NM_001406468.1, NM_001406469.1); short protein forms N113D, N70D.
Identifiers: ClinVar variation 2129902 (VCV002129902.4), dbSNP rs2494554645, ClinGen allele CA377512847.
Genomic context (GRCh38, chr10:88,943,829, plus strand): 5'-GTGTTGTGTGCTGGGGTAGCATACTTACTTGAGTCATTTTCTCCCGGTTGGCCTTGGGGT[T>C]CAGGGGTGCCTCCGTGAGCAGGGTGGGATGCTCTTCAGGGGCAACACGAAGCTCATTGTA-3'
Protein context (NP_001604.1, residues 103-123): HPTLLTEAPL[Asn113Asp]PKANREKMTQ